The following is an entry in ClinVar:

NM_000195.5(HPS1):c.895G>T (p.Glu299Ter)

Gene: HPS1 (HPS1 biogenesis of lysosomal organelles complex 3 subunit 1; minus strand). Cytogenetic location: 10q24.2.
Variant type: single nucleotide variant.
Coding change: c.895G>T on transcript NM_000195.5 (MANE Select); coding-DNA position 895, G replaced by T.
Protein change: p.Glu299Ter; replaces glutamic acid 299 with a stop codon.
Molecular consequence: nonsense. On other transcripts: 5 prime UTR variant (3), missense variant (2).
Genome position (GRCh38, 1-based): chr10:98,429,615, C>A on the plus strand (G>T on the coding strand, the complement: HPS1 is on the minus strand). VCF-style: chr10-98429615-C-A. GRCh37 (hg19) VCF-style: chr10-100189372-C-A.
Other names: c.-78G>T (NM_001311345.2, NM_001322487.2, NM_001322489.2); c.895G>T, p.Glu299Ter (NM_001322476.2, NM_001322477.2, NM_182639.4); c.796G>T, p.Glu266Ter (NM_001322478.2, NM_001322479.2, NM_001322491.2); c.634G>T, p.Glu212Ter (NM_001322480.2, NM_001322481.2); c.535G>T, p.Glu179Ter (NM_001322482.2); c.526G>T, p.Glu176Ter (NM_001322483.2, NM_001322484.2); c.427G>T, p.Glu143Ter (NM_001322485.2); c.777G>T, p.Arg259Ser (NM_001322490.2); and 1 more; short protein forms E179*, E299*, E143*, E212*, R259S, E266*, R226S, E176*.
Identifiers: ClinVar variation 2863653 (VCV002863653.3), dbSNP rs2538898004, ClinGen allele CA378051210.
Genomic context (GRCh38, chr10:98,429,615, plus strand): 5'-CTTTCCTCCGGTCCTCACCTGAGCTCTGATCGCCAGGGGAAGGAGCTGGTGTGAAGTACT[C>A]CTCAGGGAGGGAGAAGCTGTCTGTCTCCTGGAATGGAGAAGGTGGCTCAGGTTGAGAGGC-3'

ClinVar aggregate classification (germline): Pathogenic (1 of 4 stars; one submission).

Submission:

Labcorp Genetics (formerly Invitae), Labcorp
Classification: Pathogenic. Last evaluated: 2023-05-12. Review status: criteria provided, single submitter. Criteria: Invitae Variant Classification Sherloc (09022015). Collection method: clinical testing. Allele origin: germline.
Comment: For these reasons, this variant has been classified as Pathogenic. Algorithms developed to predict the effect of sequence changes on RNA splicing suggest that this variant may disrupt the consensus splice site. This variant has not been reported in the literature in individuals affected with HPS1-related conditions. This variant is not present in population databases (gnomAD no frequency). This sequence change creates a premature translational stop signal (p.Glu299*) in the HPS1 gene. It is expected to result in an absent or disrupted protein product. Loss-of-function variants in HPS1 are known to be pathogenic (PMID: 12442288, 16185271).

Literature cited by the submitters: PubMed 12442288; PubMed 16185271.